The following is an entry in ClinVar:

NM_199420.4(POLQ):c.3475A>G (p.Arg1159Gly)

Gene: POLQ (DNA polymerase theta; minus strand). Cytogenetic location: 3q13.33.
Variant type: single nucleotide variant.
Coding change: c.3475A>G on transcript NM_199420.4 (MANE Select); coding-DNA position 3475, A replaced by G.
Protein change: p.Arg1159Gly; replaces arginine 1159 with glycine.
Molecular consequence: missense variant.
Genome position (GRCh38, 1-based): chr3:121,489,456, T>C on the plus strand (A>G on the coding strand, the complement: POLQ is on the minus strand). VCF-style: chr3-121489456-T-C. GRCh37 (hg19) VCF-style: chr3-121208303-T-C.
Other names: short protein forms R1159G.
Identifiers: ClinVar variation 3308549 (VCV003308549.1).

ClinVar aggregate classification (germline): Uncertain significance (1 of 4 stars; one submission).

gnomAD v4.1: 1 of 1,614,090 alleles (0.000062%); highest among the groups gnomAD compares: East Asian, 0.0022%; no homozygotes.

Submission:

Ambry Genetics
Classification: Uncertain significance. Last evaluated: 2024-04-14. Review status: criteria provided, single submitter. Criteria: Ambry Variant Classification Scheme 2023. Collection method: clinical testing. Allele origin: germline.
Comment: The p.R1159G variant (also known as c.3475A>G), located in coding exon 16 of the POLQ gene, results from an A to G substitution at nucleotide position 3475. The arginine at codon 1159 is replaced by glycine, an amino acid with dissimilar properties. This amino acid position is conserved. In addition, this alteration is predicted to be tolerated by in silico analysis. Based on the available evidence, the clinical significance of this variant remains unclear.